The following is an entry in ClinVar:

ClinVar aggregate classification (germline): Likely benign (1 of 4 stars; one submission).

Conditions:
Epidermolysis bullosa simplex. Also called: Epidermolysis bullosa simplex, Weber-Cockayne type (subtype); Epidermolysis bullosa simplex, Dowling-Meara type (subtype); Epidermolysis bullosa simplex with mottled pigmentation (subtype). Identifiers: Orphanet 304, MedGen C0079298, MONDO:0017610.

Allele frequency attached by ClinVar (database versions not stated): gnomAD 0.00005 and 0.00006; gnomAD exomes 0.00005 and 0.00006; TOPMed 0.00007; ExAC 0.00011.
gnomAD v4.1: 76 of 1,613,408 alleles (0.0047%); highest among the groups gnomAD compares: Non-Finnish European, 0.0057%; no homozygotes.

Submission:

Illumina Laboratory Services, Illumina
Classification: Likely benign for Epidermolysis bullosa simplex. Last evaluated: 2018-01-13. Review status: criteria provided, single submitter. Criteria: ICSL Variant Classification Criteria 13 December 2019. Collection method: clinical testing. Allele origin: germline.
Comment: This variant was observed in the ICSL laboratory as part of a predisposition screen in an ostensibly healthy population. It had not been previously curated by ICSL or reported in the Human Gene Mutation Database (HGMD: prior to June 1st, 2018), and was therefore a candidate for classification through an automated scoring system. Utilizing variant allele frequency, disease prevalence and penetrance estimates, and inheritance mode, an automated score was calculated to assess if this variant is too frequent to cause the disease. Based on the score and internal cut-off values, a variant classified as likely benign is not then subjected to further curation. The score for this variant resulted in a classification of likely benign for this disease.

NM_000424.4(KRT5):c.1736C>A (p.Ser579Tyr)

Gene: KRT5 (keratin 5; minus strand). Cytogenetic location: 12q13.13.
Variant type: single nucleotide variant.
Coding change: c.1736C>A on transcript NM_000424.4 (MANE Select); coding-DNA position 1736, C replaced by A.
Protein change: p.Ser579Tyr; replaces serine 579 with tyrosine.
Molecular consequence: missense variant.
Genome position (GRCh38, 1-based): chr12:52,514,979, G>T on the plus strand (C>A on the coding strand, the complement: KRT5 is on the minus strand). VCF-style: chr12-52514979-G-T. GRCh37 (hg19) VCF-style: chr12-52908763-G-T.
Other names: short protein forms S579Y.
Identifiers: ClinVar variation 309554 (VCV000309554.5), dbSNP rs781707438, ClinGen allele CA6582396.